The following is an entry in ClinVar:

NM_144498.4(OSBPL2):c.*33G>A

Gene: OSBPL2 (oxysterol binding protein like 2; plus strand). Cytogenetic location: 20q13.33.
Variant type: single nucleotide variant.
Coding change: c.*33G>A on transcript NM_144498.4 (MANE Select); 33 bases downstream of the stop codon, G replaced by A.
Molecular consequence: 3 prime UTR variant. On other transcripts: missense variant (1).
Genome position (GRCh38, 1-based): chr20:62,293,920, G>A. VCF-style: chr20-62293920-G-A. GRCh37 (hg19) VCF-style: chr20-60868976-G-A.
Other names: c.1076G>A, p.Arg359Lys (NM_001278649.3); c.*33G>A (NM_001363878.2, NM_014835.5); short protein forms R359K.
Identifiers: ClinVar variation 4989537 (VCV004989537.1).

ClinVar aggregate classification (germline): Uncertain significance (1 of 4 stars; one submission).

Conditions:
OSBPL2-related disorder. Also called: OSBPL2-related condition.

gnomAD v4.1: 26 of 1,605,342 alleles (0.0016%); highest among the groups gnomAD compares: African/African-American, 0.0027%; no homozygotes.

Submission:

PreventionGenetics, part of Exact Sciences
Classification: Uncertain significance for OSBPL2-related condition. Last evaluated: 2026-09-11. Review status: criteria provided, single submitter. Criteria: ACMG Guidelines, 2015. Collection method: clinical testing. Allele origin: germline.
Comment: The OSBPL2 c.1076G>A variant is predicted to result in the amino acid substitution p.Arg359Lys. To our knowledge, this variant has not been reported in the literature. This variant is reported in 0.0047% of alleles in individuals of European (Non-Finnish) descent in gnomAD. At this time, the clinical significance of this variant is uncertain due to the absence of conclusive functional and genetic evidence.